The following is an entry in ClinVar:

NC_000007.14:g.156764159T>C

Genes: LMBR1 (limb development membrane protein 1; minus strand), SHH (sonic hedgehog signaling molecule; minus strand). Cytogenetic location: 7q36.3.
Variant type: single nucleotide variant.
Molecular consequence: intron variant (on NM_022458.4).
Genome position: GRCh38 VCF-style: chr7-156764159-T-C. GRCh37 (hg19) VCF-style: chr7-156556853-T-C.
Other names: c.361-364A>G (NM_001363412.2); c.145-364A>G (NM_001350954.2); c.424-364A>G (NM_001363410.2, NM_022458.4, NM_001363409.2 and 1 more transcripts); c.-33-364A>G (NM_001350958.2, NM_001350956.2, NM_001350955.2 and 1 more transcripts); c.55-364A>G (NM_001350957.2, NM_001363411.2).
Identifiers: ClinVar variation 2795405 (VCV002795405.3), dbSNP rs1823655529, ClinGen allele CA1109180885.

ClinVar aggregate classification (germline): Uncertain significance (1 of 4 stars; one submission).

Conditions:
Holoprosencephaly 3 (HPE3). Identifiers: Orphanet 2162, MedGen C1840529, MONDO:0007733, OMIM 142945.

Allele frequency attached by ClinVar (database versions not stated): TOPMed below 0.00001; gnomAD 0.00001.
gnomAD v4.1: 1 of 152,164 alleles (0.00066%); highest among the groups gnomAD compares: Non-Finnish European, 0.0015%; no homozygotes.

Submission:

Labcorp Genetics (formerly Invitae), Labcorp
Classification: Uncertain significance for Holoprosencephaly 3. Last evaluated: 2023-12-11. Review status: criteria provided, single submitter. Criteria: Invitae Variant Classification Sherloc (09022015). Collection method: clinical testing. Allele origin: germline.
Comment: This variant occurs in a non-coding region of the SHH gene. It does not change the encoded amino acid sequence of the SHH protein. This variant is not present in population databases (gnomAD no frequency). This variant has not been reported in the literature in individuals affected with SHH-related conditions. Experimental studies and prediction algorithms are not available or were not evaluated, and the functional significance of this variant is currently unknown. In summary, the available evidence is currently insufficient to determine the role of this variant in disease. Therefore, it has been classified as a Variant of Uncertain Significance.